The following is an entry in ClinVar:

NM_003482.4(KMT2D):c.839+3A>G

Gene: KMT2D (lysine methyltransferase 2D; minus strand). Cytogenetic location: 12q13.12.
Variant type: single nucleotide variant.
Coding change: c.839+3A>G on transcript NM_003482.4 (MANE Select); 3 bases into the intron after coding-DNA position 839, A replaced by G.
Molecular consequence: intron variant.
Genome position (GRCh38, 1-based): chr12:49,053,473, T>C on the plus strand (A>G on the coding strand, the complement: KMT2D is on the minus strand). VCF-style: chr12-49053473-T-C. GRCh37 (hg19) VCF-style: chr12-49447256-T-C.
Identifiers: ClinVar variation 531889 (VCV000531889.8), dbSNP rs1555198242, ClinGen allele CA658797900.

ClinVar aggregate classification (germline): Uncertain significance. Review status: criteria provided, multiple submitters, no conflicts (2 of 4 stars). 2 submissions from 2 submitters: Uncertain significance (2). Last evaluated 2025-07-16.

Conditions:
Kabuki syndrome. Also called: NIIKAWA-KUROKI SYNDROME; Kabuki make-up syndrome. Identifiers: Orphanet 2322, MedGen C0796004, MONDO:0016512.

Submissions (2):

Labcorp Genetics (formerly Invitae), Labcorp
Classification: Uncertain significance for Kabuki syndrome. Last evaluated: 2025-07-16. Review status: criteria provided, single submitter. Criteria: Invitae Variant Classification Sherloc (09022015). Collection method: clinical testing. Allele origin: germline.
Comment: This sequence change falls in intron 6 of the KMT2D gene. It does not directly change the encoded amino acid sequence of the KMT2D protein. It affects a nucleotide within the consensus splice site. This variant is not present in population databases (gnomAD no frequency). This variant has not been reported in the literature in individuals affected with KMT2D-related conditions. ClinVar contains an entry for this variant (Variation ID: 531889). Variants that disrupt the consensus splice site are a relatively common cause of aberrant splicing (PMID: 17576681, 9536098). Algorithms developed to predict the effect of sequence changes on RNA splicing suggest that this variant may disrupt the consensus splice site. In summary, the available evidence is currently insufficient to determine the role of this variant in disease. Therefore, it has been classified as a Variant of Uncertain Significance.

Blueprint Genetics
Classification: Uncertain significance. Last evaluated: 2023-11-29. Review status: criteria provided, single submitter. Criteria: ACMG Guidelines, 2015. Collection method: clinical testing. Allele origin: germline.

Literature cited by the submitters: PubMed 17576681 (cited by Labcorp Genetics (formerly Invitae), Labcorp); PubMed 9536098 (cited by Labcorp Genetics (formerly Invitae), Labcorp).